The following is an entry in ClinVar:

NM_000381.4(MID1):c.476A>G (p.His159Arg)

Gene: MID1 (midline 1; minus strand). Cytogenetic location: Xp22.2.
Variant type: single nucleotide variant.
Coding change: c.476A>G on transcript NM_000381.4 (MANE Select); coding-DNA position 476, A replaced by G.
Protein change: p.His159Arg; replaces histidine 159 with arginine.
Molecular consequence: missense variant.
Genome position (GRCh38, 1-based): chrX:10,567,072, T>C on the plus strand (A>G on the coding strand, the complement: MID1 is on the minus strand). VCF-style: chrX-10567072-T-C. GRCh37 (hg19) VCF-style: chrX-10535112-T-C.
Other names: c.476A>G, p.His159Arg (NM_001098624.2, NM_001193277.1, NM_001193278.1 and 5 more transcripts); short protein forms H159R.
Identifiers: ClinVar variation 1030754 (VCV001030754.2), dbSNP rs1934579726, ClinGen allele CA412048264.

ClinVar aggregate classification (germline): Uncertain significance. Review status: criteria provided, multiple submitters, no conflicts (2 of 4 stars). 2 submissions from 2 submitters: Uncertain significance (2). Last evaluated 2024-01-01.

Conditions:
X-linked Opitz G/BBB syndrome (GBBB). Also called: Opitz-Frias syndrome; OPITZ BBBG SYNDROME, TYPE I; OPITZ SYNDROME, X-LINKED; OPITZ-G SYNDROME, TYPE I; MID1-Related Opitz G/BBB Syndrome. Identifiers: Orphanet 2745, MedGen C2936904, MONDO:0010222, OMIM 300000.

Submissions (2):

Daryl Scott Lab, Baylor College of Medicine
Classification: Uncertain significance for X-linked Opitz G/BBB syndrome. Last evaluated: 2024-01-01. Review status: criteria provided, single submitter. Criteria: ACMG Guidelines, 2015. Collection method: clinical testing. Allele origin: maternal. Observed: 1 heterozygote.
Comment: PM2, PP3

Baylor Genetics
Classification: Uncertain significance for X-linked Opitz G/BBB syndrome. Last evaluated: 2019-09-16. Review status: criteria provided, single submitter. Criteria: ACMG Guidelines, 2015. Collection method: clinical testing. Allele origin: unknown. Affected: yes.
Comment: This variant was determined to be of uncertain significance according to ACMG Guidelines, 2015 [PMID:25741868].